The following is an entry in ClinVar:

ClinVar aggregate classification (germline): Uncertain significance (1 of 4 stars; one submission).

Allele frequency attached by ClinVar (database versions not stated): TOPMed below 0.00001.

Submission:

Labcorp Genetics (formerly Invitae), Labcorp
Classification: Uncertain significance. Last evaluated: 2021-12-25. Review status: criteria provided, single submitter. Criteria: Invitae Variant Classification Sherloc (09022015). Collection method: clinical testing. Allele origin: germline.
Comment: In summary, the available evidence is currently insufficient to determine the role of this variant in disease. Therefore, it has been classified as a Variant of Uncertain Significance. Algorithms developed to predict the effect of missense changes on protein structure and function are either unavailable or do not agree on the potential impact of this missense change (SIFT: "Deleterious"; PolyPhen-2: "Probably Damaging"; Align-GVGD: "Class C0"). This variant has not been reported in the literature in individuals affected with GPAA1-related conditions. The frequency data for this variant in the population databases is considered unreliable, as metrics indicate poor data quality at this position in the gnomAD database. This sequence change replaces arginine, which is basic and polar, with tryptophan, which is neutral and slightly polar, at codon 134 of the GPAA1 protein (p.Arg134Trp).

NM_003801.4(GPAA1):c.400C>T (p.Arg134Trp)

Gene: GPAA1 (glycosylphosphatidylinositol anchor attachment 1; plus strand). Cytogenetic location: 8q24.3.
Variant type: single nucleotide variant.
Coding change: c.400C>T on transcript NM_003801.4 (MANE Select); coding-DNA position 400, C replaced by T.
Protein change: p.Arg134Trp; replaces arginine 134 with tryptophan.
Molecular consequence: missense variant.
Genome position (GRCh38, 1-based): chr8:144,083,747, C>T. VCF-style: chr8-144083747-C-T. GRCh37 (hg19) VCF-style: chr8-145138650-C-T.
Other names: short protein forms R134W.
Identifiers: ClinVar variation 2059745 (VCV002059745.2), dbSNP rs1278283377, ClinGen allele CA372598663.